The following is an entry in ClinVar:

ClinVar aggregate classification (germline): Likely benign (1 of 4 stars; one submission).

Conditions:
Neurodevelopmental disorder with infantile epileptic spasms. Identifiers: MedGen C5543538, MONDO:0859162, OMIM 619373.

Allele frequency attached by ClinVar (database versions not stated): gnomAD exomes 0.00001.

Submission:

Victorian Clinical Genetics Services, Murdoch Childrens Research Institute
Classification: Likely benign for Neurodevelopmental disorder with infantile epileptic spasms. Last evaluated: 2022-03-31. Review status: criteria provided, single submitter. Criteria: ACMG Guidelines, 2015. Collection method: clinical testing. Allele origin: germline. Inheritance: Autosomal dominant inheritance. Affected: yes.
Comment: Based on the classification scheme VCGS_Germline_v1.3.4, this variant is classified as Likely benign. Following criteria are met: 0102 - Loss of function is a known mechanism of disease in this gene and is associated with neurodevelopmental disorder with infantile epileptic spasms (MIM#619373). (I) 0107 - This gene is associated with autosomal dominant disease, including a single family with autosomal recessive inheritance (PMID: 33711248). (I) 0200 - Variant is predicted to result in a missense amino acid change from proline to serine (I) 0251 - This variant is heterozygous. (I) 0302 - Variant is present in gnomAD <0.001 for a dominant condition (v2: 1 heterozygote, 0 homozygotes). (SP) 0309 - An alternative amino acid change at the same position has been observed in gnomAD (v3: 1 heterozygote, 0 homozygotes). (I) 0503 - Missense variant consistently predicted to be tolerated by multiple in silico tools or not conserved in placental mammals with a minor amino acid change. (SB) 0600 - Variant is located in the annotated neurochondrin domain (DECIPHER). (I) 0705 - No comparable missense variants have previous evidence for pathogenicity. (I) 0807 - This variant has no previous evidence of pathogenicity. (I) 0904 - Non-segregation of this variant with the phenotype under investigation has been clearly demonstrated. (SB) 1007 - No published functional evidence has been identified for this variant. (I) Legend: (SP) - Supporting pathogenic, (I) - Information, (SB) - Supporting benign

Literature cited by the submitters: PubMed 33711248.

NM_014284.3(NCDN):c.646C>T (p.Pro216Ser)

Gene: NCDN (neurochondrin; plus strand). Cytogenetic location: 1p34.3.
Variant type: single nucleotide variant.
Coding change: c.646C>T on transcript NM_014284.3 (MANE Select); coding-DNA position 646, C replaced by T.
Protein change: p.Pro216Ser; replaces proline 216 with serine.
Molecular consequence: missense variant.
Genome position (GRCh38, 1-based): chr1:35,560,797, C>T. VCF-style: chr1-35560797-C-T. GRCh37 (hg19) VCF-style: chr1-36026398-C-T.
Other names: c.646C>T, p.Pro216Ser (NM_001014839.2); c.595C>T, p.Pro199Ser (NM_001014841.2); short protein forms P199S, P216S.
Identifiers: ClinVar variation 1805253 (VCV001805253.1), dbSNP rs1558718795, ClinGen allele CA339343839.